The following is an entry in ClinVar:

ClinVar aggregate classification (germline): Uncertain significance (1 of 4 stars; one submission).

Conditions:
Severe combined immunodeficiency due to LCK deficiency. Also called: Immunodeficiency 22. Identifiers: Orphanet 280142, MedGen C4014233, MONDO:0014334, OMIM 615758.

Allele frequency attached by ClinVar (database versions not stated): gnomAD exomes below 0.00001; TOPMed below 0.00001; gnomAD 0.00001.
gnomAD v4.1: 7 of 1,613,126 alleles (0.00043%); highest among the groups gnomAD compares: East Asian, 0.0089%; no homozygotes.

Submission:

Labcorp Genetics (formerly Invitae), Labcorp
Classification: Uncertain significance for Severe combined immunodeficiency due to LCK deficiency. Last evaluated: 2022-08-22. Review status: criteria provided, single submitter. Criteria: Invitae Variant Classification Sherloc (09022015). Collection method: clinical testing. Allele origin: germline.
Comment: This sequence change replaces asparagine, which is neutral and polar, with serine, which is neutral and polar, at codon 339 of the LCK protein (p.Asn339Ser). In summary, the available evidence is currently insufficient to determine the role of this variant in disease. Therefore, it has been classified as a Variant of Uncertain Significance. Algorithms developed to predict the effect of missense changes on protein structure and function output the following: SIFT: "Tolerated"; PolyPhen-2: "Benign"; Align-GVGD: "Class C0". The serine amino acid residue is found in multiple mammalian species, which suggests that this missense change does not adversely affect protein function. This variant is present in population databases (no rsID available, gnomAD 0.006%). This variant has not been reported in the literature in individuals affected with LCK-related conditions. ClinVar contains an entry for this variant (Variation ID: 643389).

NM_005356.5(LCK):c.1016A>G (p.Asn339Ser)

Gene: LCK (LCK proto-oncogene, Src family tyrosine kinase; plus strand). Cytogenetic location: 1p35.2.
Variant type: single nucleotide variant.
Coding change: c.1016A>G on transcript NM_005356.5 (MANE Select); coding-DNA position 1016, A replaced by G.
Protein change: p.Asn339Ser; replaces asparagine 339 with serine.
Molecular consequence: missense variant.
Genome position (GRCh38, 1-based): chr1:32,279,722, A>G. VCF-style: chr1-32279722-A-G. GRCh37 (hg19) VCF-style: chr1-32745323-A-G.
Other names: c.1016A>G, p.Asn339Ser (NM_001042771.3); c.863A>G, p.Asn288Ser (NM_001330468.2); short protein forms N288S, N339S.
Identifiers: ClinVar variation 643389 (VCV000643389.8), dbSNP rs1258114778, ClinGen allele CA339642331.